The following is an entry in ClinVar:

NM_018398.3(CACNA2D3):c.43T>C (p.Ser15Pro)

Gene: CACNA2D3 (calcium voltage-gated channel auxiliary subunit alpha2delta 3; plus strand). Cytogenetic location: 3p21.1.
Variant type: single nucleotide variant.
Coding change: c.43T>C on transcript NM_018398.3 (MANE Select); coding-DNA position 43, T replaced by C.
Protein change: p.Ser15Pro; replaces serine 15 with proline.
Molecular consequence: missense variant.
Genome position (GRCh38, 1-based): chr3:54,122,756, T>C. VCF-style: chr3-54122756-T-C. GRCh37 (hg19) VCF-style: chr3-54156783-T-C.
Other names: short protein forms S15P.
Identifiers: ClinVar variation 4978069 (VCV004978069.1).

ClinVar aggregate classification (germline): Uncertain significance (1 of 4 stars; one submission).

Conditions:
CACNA2D3-related disorder. Also called: CACNA2D3-related condition.

gnomAD v4.1: 10 of 1,221,982 alleles (0.00082%); highest among the groups gnomAD compares: Non-Finnish European, 0.001%; no homozygotes.

Submission:

PreventionGenetics, part of Exact Sciences
Classification: Uncertain significance for CACNA2D3-related condition. Last evaluated: 2025-07-09. Review status: criteria provided, single submitter. Criteria: ACMG Guidelines, 2015. Collection method: clinical testing. Allele origin: germline.
Comment: The CACNA2D3 c.43T>C variant is predicted to result in the amino acid substitution p.Ser15Pro. To our knowledge, this variant has not been reported in the literature or in a large population database (gnomAD), indicating this variant is rare. At this time, the clinical significance of this variant is uncertain due to the absence of conclusive functional and genetic evidence.